The following is an entry in ClinVar:

NM_002857.4(PEX19):c.110C>T (p.Ala37Val)

Gene: PEX19 (peroxisomal biogenesis factor 19; minus strand). Cytogenetic location: 1q23.2.
Variant type: single nucleotide variant.
Coding change: c.110C>T on transcript NM_002857.4 (MANE Select); coding-DNA position 110, C replaced by T.
Protein change: p.Ala37Val; replaces alanine 37 with valine.
Molecular consequence: missense variant. On other transcripts: non-coding transcript variant (1).
Genome position (GRCh38, 1-based): chr1:160,283,600, G>A on the plus strand (C>T on the coding strand, the complement: PEX19 is on the minus strand). VCF-style: chr1-160283600-G-A. GRCh37 (hg19) VCF-style: chr1-160253390-G-A.
Other names: c.110C>T (NM_002857.3); c.110C>T, p.Ala37Val (NM_001193644.1); short protein forms A37V.
Identifiers: ClinVar variation 1423341 (VCV001423341.5), dbSNP rs575112594, ClinGen allele CA31525467.

ClinVar aggregate classification (germline): Uncertain significance. Review status: criteria provided, multiple submitters, no conflicts (2 of 4 stars). 2 submissions from 2 submitters: Uncertain significance (2). Last evaluated 2025-08-13.

Conditions:
Zellweger spectrum disorders (ZS). Also called: Zellweger syndrome; Zellweger Spectrum Disorder (ZSD); Zellweger Spectrum Disorder; Zellweger Spectrum. Identifiers: Orphanet 912, MedGen C0043459, MONDO:0019609.
Inborn genetic diseases. Identifiers: MedGen C0950123, MeSH D030342.
Peroxisome biogenesis disorder 12A (Zellweger). Also called: Peroxisome biogenesis disorder 12A. Identifiers: Orphanet 912, MedGen C3554002, MONDO:0013951, OMIM 614886.

Allele frequency attached by ClinVar (database versions not stated): gnomAD exomes 0.00001.
gnomAD v4.1: 46 of 1,614,046 alleles (0.0028%); highest among the groups gnomAD compares: Non-Finnish European, 0.0038%; no homozygotes.

Submissions (2):

Ambry Genetics
Classification: Uncertain significance for Inborn genetic diseases. Last evaluated: 2025-08-13. Review status: criteria provided, single submitter. Criteria: Ambry Variant Classification Scheme 2023. Collection method: clinical testing. Allele origin: germline.

Labcorp Genetics (formerly Invitae), Labcorp
Classification: Uncertain significance for Peroxisome biogenesis disorder 12A (Zellweger). Last evaluated: 2022-06-10. Review status: criteria provided, single submitter. Criteria: Invitae Variant Classification Sherloc (09022015). Collection method: clinical testing. Allele origin: germline.
Comment: This sequence change replaces alanine, which is neutral and non-polar, with valine, which is neutral and non-polar, at codon 37 of the PEX19 protein (p.Ala37Val). This variant is present in population databases (rs575112594, gnomAD 0.002%). This variant has not been reported in the literature in individuals affected with PEX19-related conditions. Algorithms developed to predict the effect of missense changes on protein structure and function (SIFT, PolyPhen-2, Align-GVGD) all suggest that this variant is likely to be tolerated. In summary, the available evidence is currently insufficient to determine the role of this variant in disease. Therefore, it has been classified as a Variant of Uncertain Significance.